The following is an entry in ClinVar:

NM_024884.3(L2HGDH):c.1032T>G (p.Ser344Arg)

Gene: L2HGDH (L-2-hydroxyglutarate dehydrogenase; minus strand). Cytogenetic location: 14q21.3.
Variant type: single nucleotide variant.
Coding change: c.1032T>G on transcript NM_024884.3 (MANE Select); coding-DNA position 1032, T replaced by G.
Protein change: p.Ser344Arg; replaces serine 344 with arginine.
Molecular consequence: missense variant.
Genome position (GRCh38, 1-based): chr14:50,267,785, A>C on the plus strand (T>G on the coding strand, the complement: L2HGDH is on the minus strand). VCF-style: chr14-50267785-A-C. GRCh37 (hg19) VCF-style: chr14-50734503-A-C.
Other names: short protein forms S344R.
Identifiers: ClinVar variation 571395 (VCV000571395.10), dbSNP rs1273518496, ClinGen allele CA389649143.
Genomic context (GRCh38, chr14:50,267,785, plus strand): 5'-AATCATTTTTAAAAATAAATAATGTTACCTATTGATAATTATATCCATAACATCTGTGGC[A>C]CTGAAGTCAAAGGGTCTGTAACCCTCTCGTTTAAAGGCAAGAACTGCATTAGGCCCTAGC-3'
Protein context (NP_079160.1, residues 334-354): KREGYRPFDF[Ser344Arg]ATDVMDIIIN

ClinVar aggregate classification (germline): Uncertain significance (1 of 4 stars; one submission).

Conditions:
L-2-hydroxyglutaric aciduria (L2HGA). Identifiers: Orphanet 79314, MedGen C1855995, MONDO:0009370, OMIM 236792, HP:0040144.

Allele frequency attached by ClinVar (database versions not stated): gnomAD exomes below 0.00001; TOPMed 0.00001; gnomAD 0.00002.
gnomAD v4.1: 4 of 1,612,786 alleles (0.00025%); highest among the groups gnomAD compares: Admixed American, 0.0017%; no homozygotes.

Submission:

Labcorp Genetics (formerly Invitae), Labcorp
Classification: Uncertain significance for L-2-hydroxyglutaric aciduria. Last evaluated: 2022-06-04. Review status: criteria provided, single submitter. Criteria: Invitae Variant Classification Sherloc (09022015). Collection method: clinical testing. Allele origin: germline.
Comment: In summary, the available evidence is currently insufficient to determine the role of this variant in disease. Therefore, it has been classified as a Variant of Uncertain Significance. Algorithms developed to predict the effect of sequence changes on RNA splicing suggest that this variant may disrupt the consensus splice site. Algorithms developed to predict the effect of missense changes on protein structure and function are either unavailable or do not agree on the potential impact of this missense change (SIFT: "Tolerated"; PolyPhen-2: "Possibly Damaging"; Align-GVGD: "Class C0"). ClinVar contains an entry for this variant (Variation ID: 571395). This variant has not been reported in the literature in individuals affected with L2HGDH-related conditions. This variant is present in population databases (no rsID available, gnomAD 0.007%). This sequence change replaces serine, which is neutral and polar, with arginine, which is basic and polar, at codon 344 of the L2HGDH protein (p.Ser344Arg).